The following is an entry in ClinVar:

ClinVar aggregate classification (germline): Uncertain significance (1 of 4 stars; one submission).

Submission:

Ambry Genetics
Classification: Uncertain significance. Last evaluated: 2026-02-16. Review status: criteria provided, single submitter. Criteria: Ambry Variant Classification Scheme 2023. Collection method: clinical testing. Allele origin: germline.
Comment: The p.R318I variant (also known as c.953G>T), located in coding exon 8 of the RAD51B gene, results from a G to T substitution at nucleotide position 953. The arginine at codon 318 is replaced by isoleucine, an amino acid with similar properties. This amino acid position is conserved. In addition, the in silico prediction for this alteration is inconclusive. Based on the available evidence, the clinical significance of this variant remains unclear.

NM_133510.4(RAD51B):c.953G>T (p.Arg318Ile)

Gene: RAD51B (RAD51 paralog B; plus strand). Cytogenetic location: 14q24.1.
Variant type: single nucleotide variant.
Coding change: c.953G>T on transcript NM_133510.4 (MANE Select); coding-DNA position 953, G replaced by T.
Protein change: p.Arg318Ile; replaces arginine 318 with isoleucine.
Molecular consequence: missense variant.
Genome position (GRCh38, 1-based): chr14:68,411,523, G>T. VCF-style: chr14-68411523-G-T. GRCh37 (hg19) VCF-style: chr14-68878240-G-T.
Other names: c.953G>T, p.Arg318Ile (NM_001321809.2, NM_001321810.2, NM_001321812.1 and 6 more transcripts); c.839G>T, p.Arg280Ile (NM_001321815.1); c.596G>T, p.Arg199Ile (NM_001321817.2); short protein forms R199I, R280I, R318I.
Identifiers: ClinVar variation 4824259 (VCV004824259.1).